The following is an entry in ClinVar:

ClinVar aggregate classification (germline): Uncertain significance (1 of 4 stars; one submission).

gnomAD v4.1: 1 of 1,613,162 alleles (0.000062%); highest among the groups gnomAD compares: Admixed American, 0.0017%; no homozygotes.

Submission:

Labcorp Genetics (formerly Invitae), Labcorp
Classification: Uncertain significance. Last evaluated: 2022-08-08. Review status: criteria provided, single submitter. Criteria: Invitae Variant Classification Sherloc (09022015). Collection method: clinical testing. Allele origin: germline.
Comment: This sequence change replaces arginine, which is basic and polar, with proline, which is neutral and non-polar, at codon 916 of the EPRS protein (p.Arg916Pro). This variant is present in population databases (rs761131320, gnomAD 0.003%). This variant has not been reported in the literature in individuals affected with EPRS-related conditions. Algorithms developed to predict the effect of missense changes on protein structure and function are either unavailable or do not agree on the potential impact of this missense change (SIFT: "Deleterious"; PolyPhen-2: "Probably Damaging"; Align-GVGD: "Class C0"). In summary, the available evidence is currently insufficient to determine the role of this variant in disease. Therefore, it has been classified as a Variant of Uncertain Significance.

NM_004446.3(EPRS1):c.2747G>C (p.Arg916Pro)

Gene: EPRS1 (glutamyl-prolyl-tRNA synthetase 1; minus strand). Cytogenetic location: 1q41.
Variant type: single nucleotide variant.
Coding change: c.2747G>C on transcript NM_004446.3 (MANE Select); coding-DNA position 2747, G replaced by C.
Protein change: p.Arg916Pro; replaces arginine 916 with proline.
Molecular consequence: missense variant.
Genome position (GRCh38, 1-based): chr1:219,988,618, C>G on the plus strand (G>C on the coding strand, the complement: EPRS1 is on the minus strand). VCF-style: chr1-219988618-C-G. GRCh37 (hg19) VCF-style: chr1-220161960-C-G.
Other names: short protein forms R916P.
Identifiers: ClinVar variation 2420043 (VCV002420043.3), dbSNP rs761131320, ClinGen allele CA1399898.